The following is an entry in ClinVar:

ClinVar aggregate classification (germline): Pathogenic. Review status: criteria provided, multiple submitters, no conflicts (2 of 4 stars). 4 submissions from 4 submitters: Pathogenic (4). Last evaluated 2025-01-26.

Conditions:
NF1-related disorder. Also called: NF1-related condition. Identifiers: MedGen CN379171.
Tibial pseudarthrosis. Identifiers: MedGen C4024216, HP:0009736.
Neurofibromatosis, type 1 (NF1). Also called: VON RECKLINGHAUSEN DISEASE; Peripheral type neurofibromatosis; NEUROFIBROMATOSIS, TYPE I, SOMATIC; Neurofibromatosis, type I. Identifiers: Orphanet 636, MedGen C0027831, MONDO:0018975, OMIM 162200. Disease mechanism: loss of function.

Submissions (4):

Labcorp Genetics (formerly Invitae), Labcorp
Classification: Pathogenic for Neurofibromatosis, type 1. Last evaluated: 2025-01-26. Review status: criteria provided, single submitter. Criteria: Invitae Variant Classification Sherloc (09022015). Collection method: clinical testing. Allele origin: germline.
Comment: This sequence change affects an acceptor splice site in intron 7 of the NF1 gene. It is expected to disrupt RNA splicing. Variants that disrupt the donor or acceptor splice site typically lead to a loss of protein function (PMID: 16199547), and loss-of-function variants in NF1 are known to be pathogenic (PMID: 10712197, 23913538). This variant is not present in population databases (gnomAD no frequency). Disruption of this splice site has been observed in individuals with clinical features of neurofibromatosis type 1 (PMID: 12746402; internal data). ClinVar contains an entry for this variant (Variation ID: 818181). Algorithms developed to predict the effect of sequence changes on RNA splicing suggest that this variant may disrupt the consensus splice site. For these reasons, this variant has been classified as Pathogenic.

Genome-Nilou Lab
Classification: Pathogenic for Neurofibromatosis, type 1. Last evaluated: 2022-03-15. Review status: criteria provided, single submitter. Criteria: ACMG Guidelines, 2015. Collection method: clinical testing. Allele origin: germline. Affected: no.

Blueprint Genetics
Classification: Pathogenic for NF1-related disorders. Last evaluated: 2020-09-28. Review status: criteria provided, single submitter. Criteria: ACMG Guidelines, 2015. Collection method: clinical testing. Allele origin: germline. Affected: yes. Observed: 1 variant allele.

The Laboratory of Genetics and Metabolism, Hunan Children’s Hospital
Classification: Pathogenic for Neurofibromatosis, type 1; Tibial pseudoarthrosis. Last evaluated: 2018-11-10. Review status: criteria provided, single submitter. Criteria: ACMG Guidelines, 2015. Collection method: research. Allele origin: de novo. Affected: yes. Observed: 1 variant allele.

Literature cited by the submitters: PubMed 16199547 (cited by Labcorp Genetics (formerly Invitae), Labcorp); PubMed 10712197 (cited by Labcorp Genetics (formerly Invitae), Labcorp); PubMed 23913538 (cited by Labcorp Genetics (formerly Invitae), Labcorp); PubMed 12746402 (cited by Labcorp Genetics (formerly Invitae), Labcorp); PubMed 31533797 (cited by The Laboratory of Genetics and Metabolism, Hunan Children’s Hospital).

NM_001042492.3(NF1):c.731-2A>C

Gene: NF1 (neurofibromin 1; plus strand). Cytogenetic location: 17q11.2.
Variant type: single nucleotide variant.
Coding change: c.731-2A>C on transcript NM_001042492.3 (MANE Select); the canonical splice acceptor site of the intron before coding-DNA position 731, A replaced by C.
Molecular consequence: splice acceptor variant.
Genome position (GRCh38, 1-based): chr17:31,182,506, A>C. VCF-style: chr17-31182506-A-C. GRCh37 (hg19) VCF-style: chr17-29509524-A-C.
Other names: c.731-2A>C (NM_000267.4, NM_001128147.3).
Identifiers: ClinVar variation 818181 (VCV000818181.11), dbSNP rs1555608924, ClinGen allele CA398990430.